The following is an entry in ClinVar:

ClinVar aggregate classification (germline): Uncertain significance (1 of 4 stars; one submission).

Conditions:
Pyruvate kinase deficiency of red cells (CNSHA2). Also called: PK DEFICIENCY; PYRUVATE KINASE DEFICIENCY OF ERYTHROCYTE; Pyruvate kinase deficiency, Amish type. Identifiers: Orphanet 766, MedGen C0340968, MONDO:0009950, OMIM 266200.

Submission:

3billion
Classification: Uncertain significance for Pyruvate kinase deficiency of red cells. Last evaluated: 2025-03-04. Review status: criteria provided, single submitter. Criteria: ACMG Guidelines, 2015. Collection method: clinical testing. Allele origin: germline. Affected: yes.
Comment: The variant is not observed in the gnomAD v4.1.0 dataset. Predicted Consequence/Location: Missense variant In silico tool predictions suggest damaging effect of the variant on gene or gene product [REVEL: 0.61 (>=0.6, sensitivity 0.68 and specificity 0.92)]. Therefore, this variant is classified as VUS according to the recommendation of ACMG/AMP guideline.

NM_000298.6(PKLR):c.234T>G (p.Ile78Met)

Gene: PKLR (pyruvate kinase L/R; minus strand). Cytogenetic location: 1q22.
Variant type: single nucleotide variant.
Coding change: c.234T>G on transcript NM_000298.6 (MANE Select); coding-DNA position 234, T replaced by G.
Protein change: p.Ile78Met; replaces isoleucine 78 with methionine.
Molecular consequence: missense variant.
Genome position (GRCh38, 1-based): chr1:155,300,147, A>C on the plus strand (T>G on the coding strand, the complement: PKLR is on the minus strand). VCF-style: chr1-155300147-A-C. GRCh37 (hg19) VCF-style: chr1-155269938-A-C.
Other names: c.141T>G, p.Ile47Met (NM_181871.4); short protein forms I47M, I78M.
Identifiers: ClinVar variation 4293774 (VCV004293774.1).